The following is an entry in ClinVar:

NM_003906.5(MCM3AP):c.3949_3950insG (p.Asn1317fs)

Gene: MCM3AP (minichromosome maintenance complex component 3 associated protein; minus strand). Cytogenetic location: 21q22.3.
Variant type: Insertion.
Coding change: c.3949_3950insG on transcript NM_003906.5 (MANE Select); coding-DNA positions 3949 to 3950, G inserted.
Protein change: p.Asn1317fs; shifts the reading frame from asparagine 1317.
Molecular consequence: frameshift variant.
Genome position: GRCh38 VCF-style: chr21-46254827-T-TC. GRCh37 (hg19) VCF-style: chr21-47674741-T-TC.
Other names: short protein forms N1317fs.
Identifiers: ClinVar variation 2576048 (VCV002576048.1), dbSNP rs2080924150, ClinGen allele CA1022881986.
Genomic context (GRCh38, chr21:46,254,827, plus strand): 5'-ATGACAGACCTCAGCAGCTGCTGGTAGAAGTGCTGAACCTTCATCTGGTGAGCTGTCTTG[T>TC]TTCTGAGCCGCCTTAACCTGCAAAGGAAAGCAGAATGACAGTGTCCCCGCAGGAGCTTAG-3'

ClinVar aggregate classification (germline): Likely pathogenic (1 of 4 stars; one submission).

Allele frequency attached by ClinVar (database versions not stated): gnomAD exomes below 0.00001; gnomAD 0.00001.

Submission:

Institute for Clinical Genetics, University Hospital TU Dresden, University Hospital TU Dresden
Classification: Likely pathogenic. Last evaluated: 2022-04-08. Review status: criteria provided, single submitter. Criteria: ACMG Guidelines, 2015. Collection method: clinical testing. Allele origin: maternal.
Comment: PVS1, PM2_SUP